The following is an entry in ClinVar:

ClinVar aggregate classification (germline): Uncertain significance. Review status: criteria provided, multiple submitters, no conflicts (2 of 4 stars). 3 submissions from 3 submitters: Uncertain significance (3). Last evaluated 2025-12-11.

Conditions:
Inborn genetic diseases. Identifiers: MedGen C0950123, MeSH D030342.

Allele frequency attached by ClinVar (database versions not stated): TOPMed 0.00001; gnomAD 0.00002; ESP Exome Variant Server 0.00008.
gnomAD v4.1: 53 of 1,612,644 alleles (0.0033%); highest among the groups gnomAD compares: Non-Finnish European, 0.0045%; no homozygotes.

Submissions (3):

Ambry Genetics
Classification: Uncertain significance for Inborn genetic diseases. Last evaluated: 2025-12-11. Review status: criteria provided, single submitter. Criteria: Ambry Variant Classification Scheme 2023. Collection method: clinical testing. Allele origin: germline.

Blueprint Genetics
Classification: Uncertain significance. Last evaluated: 2024-02-02. Review status: criteria provided, single submitter. Criteria: ACMG Guidelines, 2015. Collection method: clinical testing. Allele origin: germline.

Labcorp Genetics (formerly Invitae), Labcorp
Classification: Uncertain significance. Last evaluated: 2022-07-09. Review status: criteria provided, single submitter. Criteria: Invitae Variant Classification Sherloc (09022015). Collection method: clinical testing. Allele origin: germline.
Comment: Algorithms developed to predict the effect of missense changes on protein structure and function are either unavailable or do not agree on the potential impact of this missense change (SIFT: "Deleterious"; PolyPhen-2: "Benign"; Align-GVGD: "Class C0"). In summary, the available evidence is currently insufficient to determine the role of this variant in disease. Therefore, it has been classified as a Variant of Uncertain Significance. ClinVar contains an entry for this variant (Variation ID: 1000106). This variant has not been reported in the literature in individuals affected with RBP3-related conditions. This variant is not present in population databases (gnomAD no frequency). This sequence change replaces valine, which is neutral and non-polar, with phenylalanine, which is neutral and non-polar, at codon 720 of the RBP3 protein (p.Val720Phe).

NM_002900.3(RBP3):c.2158G>T (p.Val720Phe)

Gene: RBP3 (retinol binding protein 3; plus strand). Cytogenetic location: 10q11.22.
Variant type: single nucleotide variant.
Coding change: c.2158G>T on transcript NM_002900.3 (MANE Select); coding-DNA position 2158, G replaced by T.
Protein change: p.Val720Phe; replaces valine 720 with phenylalanine.
Molecular consequence: missense variant.
Genome position (GRCh38, 1-based): chr10:47,350,642, G>T. VCF-style: chr10-47350642-G-T. GRCh37 (hg19) VCF-style: chr10-48388720-C-A.
Other names: c.2158G>T (NM_002900.2); short protein forms V720F.
Identifiers: ClinVar variation 1000106 (VCV001000106.9), dbSNP rs371012117, ClinGen allele CA376672212.